The following is an entry in ClinVar:

NM_001927.4(DES):c.110G>A (p.Arg37Gln)

Gene: DES (desmin; plus strand). Cytogenetic location: 2q35.
Variant type: single nucleotide variant.
Coding change: c.110G>A on transcript NM_001927.4 (MANE Select); coding-DNA position 110, G replaced by A.
Protein change: p.Arg37Gln; replaces arginine 37 with glutamine.
Molecular consequence: missense variant.
Genome position (GRCh38, 1-based): chr2:219,418,572, G>A. VCF-style: chr2-219418572-G-A. GRCh37 (hg19) VCF-style: chr2-220283294-G-A.
Other names: c.110G>A, p.Arg37Gln (NM_001382708.1, NM_001382709.1, NM_001382710.1 and 3 more transcripts); short protein forms R37Q.
Identifiers: ClinVar variation 4613959 (VCV004613959.1).
Genomic context (GRCh38, chr2:219,418,572, plus strand): 5'-CCTTCGGCGGGGCCCCGGGCTTCCCACTCGGCTCCCCGCTGAGTTCGCCCGTGTTCCCGC[G>A]GGCGGGTTTCGGCTCTAAGGGCTCCTCCAGCTCGGTGACGTCCCGCGTGTACCAGGTGTC-3'
Protein context (NP_001918.3, residues 27-47): GSPLSSPVFP[Arg37Gln]AGFGSKGSSS

ClinVar aggregate classification (germline): Uncertain significance (1 of 4 stars; one submission).

Conditions:
Cardiovascular phenotype. Identifiers: MedGen CN230736.

Submission:

Ambry Genetics
Classification: Uncertain significance for Cardiovascular phenotype. Last evaluated: 2025-11-07. Review status: criteria provided, single submitter. Criteria: Ambry Variant Classification Scheme 2023. Collection method: clinical testing. Allele origin: germline.
Comment: The p.R37Q variant (also known as c.110G>A), located in coding exon 1 of the DES gene, results from a G to A substitution at nucleotide position 110. The arginine at codon 37 is replaced by glutamine, an amino acid with highly similar properties. This amino acid position is conserved. In addition, this alteration is predicted to be tolerated by in silico analysis. Based on the available evidence, the clinical significance of this variant remains unclear.